The following is an entry in ClinVar:

ClinVar aggregate classification (germline): Uncertain significance. Review status: criteria provided, multiple submitters, no conflicts (2 of 4 stars). 4 submissions from 4 submitters: Uncertain significance (4). Last evaluated 2025-03-26.

Conditions:
Inborn genetic diseases. Identifiers: MedGen C0950123, MeSH D030342.

Allele frequency attached by ClinVar (database versions not stated): TOPMed 0.00002; gnomAD exomes 0.00001; ExAC 0.00001; gnomAD 0.00003.
gnomAD v4.1: 16 of 1,614,016 alleles (0.00099%); highest among the groups gnomAD compares: Admixed American, 0.023%; no homozygotes.

Submissions (4):

Ambry Genetics
Classification: Uncertain significance for Inborn genetic diseases. Last evaluated: 2025-03-26. Review status: criteria provided, single submitter. Criteria: Ambry Variant Classification Scheme 2023. Collection method: clinical testing. Allele origin: germline.

Labcorp Genetics (formerly Invitae), Labcorp
Classification: Uncertain significance. Last evaluated: 2024-01-22. Review status: criteria provided, single submitter. Criteria: Invitae Variant Classification Sherloc (09022015). Collection method: clinical testing. Allele origin: germline.
Comment: This sequence change replaces leucine with arginine at codon 290 of the ZMPSTE24 protein (p.Leu290Arg). There is a moderate physicochemical difference between leucine and arginine. This variant is present in population databases (rs749004762, gnomAD 0.006%). This variant has not been reported in the literature in individuals affected with ZMPSTE24-related conditions. ClinVar contains an entry for this variant (Variation ID: 1348025). An algorithm developed to predict the effect of missense changes on protein structure and function (PolyPhen-2) suggests that this variant¬†is likely to be tolerated. In summary, the available evidence is currently insufficient to determine the role of this variant in disease. Therefore, it has been classified as a Variant of Uncertain Significance.

AiLife Diagnostics
Classification: Uncertain significance. Last evaluated: 2021-03-26. Review status: criteria provided, single submitter. Criteria: ACMG Guidelines, 2015. Collection method: clinical testing. Allele origin: germline. Affected: yes. Observed: 1 variant allele.

Breakthrough Genomics
Classification: Uncertain significance. Review status: criteria provided, single submitter. Criteria: ACMG Guidelines, 2015. Collection method: not provided. Allele origin: germline. Inheritance: Autosomal recessive inheritance. Affected: yes.

NM_005857.5(ZMPSTE24):c.869T>G (p.Leu290Arg)

Gene: ZMPSTE24 (zinc metallopeptidase STE24; plus strand). Cytogenetic location: 1p34.2.
Variant type: single nucleotide variant.
Coding change: c.869T>G on transcript NM_005857.5 (MANE Select); coding-DNA position 869, T replaced by G.
Protein change: p.Leu290Arg; replaces leucine 290 with arginine.
Molecular consequence: missense variant.
Genome position (GRCh38, 1-based): chr1:40,281,442, T>G. VCF-style: chr1-40281442-T-G. GRCh37 (hg19) VCF-style: chr1-40747114-T-G.
Other names: c.869T>G (NM_005857.3); short protein forms L290R.
Identifiers: ClinVar variation 1348025 (VCV001348025.7), dbSNP rs749004762, ClinGen allele CA791101.
Genomic context (GRCh38, chr1:40,281,442, plus strand): 5'-GCTTCTTCAAGAACAAGCGAATAGTTTTGTTTGACACTCTACTAGAAGAGTACTCTGTAC[T>G]AAACAAAGACATCCAGGAGGATTCTGGCATGGAACCCCGCAATGAGGAAGAAGGGAACAG-3'
Protein context (NP_005848.2, residues 280-300): FDTLLEEYSV[Leu290Arg]NKDIQEDSGM